The following is an entry in ClinVar:

ClinVar aggregate classification (germline): Uncertain significance (1 of 4 stars; one submission).

Conditions:
Dyskeratosis congenita, autosomal dominant 6 (DKCA6). Identifiers: Orphanet 3322, MedGen C4225284, MONDO:0014690, OMIM 616553.

Submission:

Labcorp Genetics (formerly Invitae), Labcorp
Classification: Uncertain significance for Dyskeratosis congenita, autosomal dominant 6. Last evaluated: 2022-09-21. Review status: criteria provided, single submitter. Criteria: Invitae Variant Classification Sherloc (09022015). Collection method: clinical testing. Allele origin: germline.
Comment: In summary, the available evidence is currently insufficient to determine the role of this variant in disease. Therefore, it has been classified as a Variant of Uncertain Significance. Experimental studies and prediction algorithms are not available or were not evaluated, and the functional significance of this variant is currently unknown. This variant has not been reported in the literature in individuals affected with ACD-related conditions. This variant is not present in population databases (gnomAD no frequency). This variant, c.1193_1207del, is a complex sequence change that results in the deletion of 6 and insertion of 1 amino acid(s) in the ACD protein (p.Ser398_Pro403delinsThr).

NM_001082486.2(ACD):c.935_949del (p.Ser312_Pro317delinsThr)

Gene: ACD (ACD shelterin complex subunit and telomerase recruitment factor; minus strand). Cytogenetic location: 16q22.1.
Variant type: Deletion.
Coding change: c.935_949del on transcript NM_001082486.2 (MANE Select); coding-DNA positions 935 to 949, 15 bases deleted (GCTCCCAGCCCTCAC).
Protein change: p.Ser312_Pro317delinsThr.
Molecular consequence: inframe indel.
Genome position (GRCh38, 1-based): chr16:67,658,243-67,658,257, GTGAGGGCTGGGAGC deleted on the plus strand (GCTCCCAGCCCTCAC on the coding strand, the reverse complement: ACD is on the minus strand). VCF-style (leftmost placement, unchanged base first): chr16-67658242-GGTGAGGGCTGGGAGC-G. GRCh37 (hg19) VCF-style: chr16-67692145-GGTGAGGGCTGGGAGC-G.
Other names: c.848_862delGCTCCCAGCCCTCAC, p.Ser283_Pro288delinsThr (NM_001410884.1); c.926_940del, p.Ser309_Pro314delinsThr (NM_022914.3).
Identifiers: ClinVar variation 2031703 (VCV002031703.4), dbSNP rs2543599320, ClinGen allele CA2580091822.